The following is an entry in ClinVar:

ClinVar aggregate classification (germline): Pathogenic (1 of 4 stars; one submission).

Conditions:
Hereditary cancer-predisposing syndrome. Also called: Tumor predisposition; Neoplastic Syndromes, Hereditary; Hereditary neoplastic syndrome; Hereditary Cancer Syndrome. Identifiers: Orphanet 140162, MedGen C0027672, MeSH D009386, MONDO:0015356.

Submission:

Ambry Genetics
Classification: Pathogenic for Hereditary cancer-predisposing syndrome. Last evaluated: 2024-09-14. Review status: criteria provided, single submitter. Criteria: Ambry Variant Classification Scheme 2023. Collection method: clinical testing. Allele origin: germline.
Comment: The c.2785_2791delATGTTAA pathogenic mutation, located in coding exon 17 of the ATM gene, results from a deletion of 7 nucleotides at nucleotide positions 2785 to 2791, causing a translational frameshift with a predicted alternate stop codon (p.M929Lfs*6). This variant is considered to be rare based on population cohorts in the Genome Aggregation Database (gnomAD). This alteration is expected to result in loss of function by premature protein truncation or nonsense-mediated mRNA decay. As such, this alteration is interpreted as a disease-causing mutation.

NM_000051.4(ATM):c.2785_2791del (p.Met929fs)

Gene: ATM (ATM serine/threonine kinase; plus strand). Cytogenetic location: 11q22.3.
Variant type: Deletion.
Coding change: c.2785_2791del on transcript NM_000051.4 (MANE Select); coding-DNA positions 2785 to 2791, 7 bases deleted (ATGTTAA; older notation c.2785_2791delATGTTAA).
Protein change: p.Met929fs; shifts the reading frame from methionine 929.
Molecular consequence: frameshift variant.
Genome position (GRCh38, 1-based): chr11:108,268,556-108,268,562, ATGTTAA deleted; deleting any 7 consecutive bases within chr11:108,268,555-108,268,562 gives the same sequence; the c. name uses the placement nearest the transcript's 3' end. VCF-style (leftmost placement, unchanged base first): chr11-108268554-TAATGTTA-T. GRCh37 (hg19) VCF-style: chr11-108139281-TAATGTTA-T.
Other names: c.2785_2791del, p.Met929fs (NM_001351834.2); short protein forms M929fs.
Identifiers: ClinVar variation 3451258 (VCV003451258.1).